The following is an entry in ClinVar:

NM_000089.4(COL1A2):c.874G>C (p.Gly292Arg)

Gene: COL1A2 (collagen type I alpha 2 chain; plus strand). Cytogenetic location: 7q21.3.
Variant type: single nucleotide variant.
Coding change: c.874G>C on transcript NM_000089.4 (MANE Select); coding-DNA position 874, G replaced by C.
Protein change: p.Gly292Arg; replaces glycine 292 with arginine.
Molecular consequence: missense variant.
Genome position (GRCh38, 1-based): chr7:94,409,403, G>C. VCF-style: chr7-94409403-G-C. GRCh37 (hg19) VCF-style: chr7-94038715-G-C.
Other names: short protein forms G292R.
Identifiers: ClinVar variation 451413 (VCV000451413.10), dbSNP rs906553840, ClinGen allele CA368220686.

ClinVar aggregate classification (germline): Pathogenic. Review status: criteria provided, multiple submitters, no conflicts (2 of 4 stars). 2 submissions from 2 submitters: Pathogenic (2). Last evaluated 2022-11-22.

Conditions:
Ehlers-Danlos syndrome, classic type, 1 (EDSCL1). Also called: EHLERS-DANLOS SYNDROME, GRAVIS TYPE; EHLERS-DANLOS SYNDROME, SEVERE CLASSIC TYPE; EDS I; Ehlers-Danlos Syndrome, Classic Type, COL5A1-Related; Ehlers-Danlos syndrome, type 1. Identifiers: MedGen C0268335, MONDO:0019567, OMIM 130000.
Osteogenesis imperfecta type I (OI1). Also called: OI, TYPE I; OSTEOGENESIS IMPERFECTA TARDA; OSTEOGENESIS IMPERFECTA WITH BLUE SCLERAE; Classic Non-deforming Osteogenesis Imperfecta with Blue Sclerae; Lobstein disease; Osteogenesis imperfecta type 1. Identifiers: Orphanet 216796, Orphanet 666, MedGen C0023931, MONDO:0008146, OMIM 166200. Disease mechanism: loss of function.

Submissions (2):

Labcorp Genetics (formerly Invitae), Labcorp
Classification: Pathogenic for Osteogenesis imperfecta type I; Ehlers-Danlos syndrome, classic type, 1. Last evaluated: 2022-11-22. Review status: criteria provided, single submitter. Criteria: Invitae Variant Classification Sherloc (09022015). Collection method: clinical testing. Allele origin: germline.
Comment: This missense change has been observed in individual(s) with clinical features of osteogenesis imperfecta (Invitae). This variant is not present in population databases (gnomAD no frequency). This sequence change replaces glycine, which is neutral and non-polar, with arginine, which is basic and polar, at codon 292 of the COL1A2 protein (p.Gly292Arg). ClinVar contains an entry for this variant (Variation ID: 451413). For these reasons, this variant has been classified as Pathogenic. This variant disrupts the p.Gly292 amino acid residue in COL1A2. Other variant(s) that disrupt this residue have been observed in individuals with COL1A2-related conditions (PMID: 24296239, 26177859; Invitae), which suggests that this may be a clinically significant amino acid residue. This variant disrupts the triple helix domain of COL1A2. Glycine residues within the Gly-Xaa-Yaa repeats of the triple helix domain are required for the structure and stability of fibrillar collagens (PMID: 7695699, 8218237, 19344236). In COL1A2, variants affecting these glycine residues are significantly enriched in individuals with disease (PMID: 9016532, 17078022) compared to the general population (ExAC). Advanced modeling of protein sequence and biophysical properties (such as structural, functional, and spatial information, amino acid conservation, physicochemical variation, residue mobility, and thermodynamic stability) performed at Invitae indicates that this missense variant is expected to disrupt COL1A2 protein function.

GeneDx
Classification: Pathogenic. Last evaluated: 2017-08-14. Review status: criteria provided, single submitter. Criteria: GeneDx Variant Classification (06012015). Collection method: clinical testing. Allele origin: germline. Affected: yes.
Comment: The G292R variant in the COL1A2 gene has not been reported previously as a pathogenic variant nor as a benign variant, to our knowledge. The G292R variant is not observed in large population cohorts (Lek et al., 2016; 1000 Genomes Consortium et al., 2015; Exome Variant Server). The G292R variant is a non-conservative amino acid substitution, which is likely to impact secondary protein structure as these residues differ in polarity, charge, size and/or other properties. This substitution occurs at a position that is conserved across species and is within the Gly-X-Y triple helical region. In silico analysis predicts this variant is probably damaging to the protein structure/function. Missense variants in the same and nearby residues (G286V/A, G289V/A, G292S/D, G295V) have been reported in the Human Gene Mutation Database in association with osteogenesis imperfecta (Stenson et al., 2014), supporting the functional importance of this region of the protein. We interpret G292R as a pathogenic variant.

Literature cited by the submitters: PubMed 24296239 (cited by Labcorp Genetics (formerly Invitae), Labcorp); PubMed 26177859 (cited by Labcorp Genetics (formerly Invitae), Labcorp); PubMed 7695699 (cited by Labcorp Genetics (formerly Invitae), Labcorp); PubMed 8218237 (cited by Labcorp Genetics (formerly Invitae), Labcorp); PubMed 19344236 (cited by Labcorp Genetics (formerly Invitae), Labcorp); PubMed 9016532 (cited by Labcorp Genetics (formerly Invitae), Labcorp); PubMed 17078022 (cited by Labcorp Genetics (formerly Invitae), Labcorp).